The following is an entry in ClinVar:

ClinVar aggregate classification (germline): Likely pathogenic. Review status: criteria provided, multiple submitters, no conflicts (2 of 4 stars). 3 submissions from 3 submitters: Likely pathogenic (2). 1 of the submissions does not count toward it. Last evaluated 2023-04-11.

Conditions:
Maple syrup urine disease (MSUD). Identifiers: Orphanet 511, MedGen C0024776, MeSH D008375, MONDO:0009563. Disease mechanism: loss of function.
Maple syrup urine disease type 1A (MSUD1A). Also called: MSUD type 1A. Identifiers: MedGen C1855369, MONDO:0023691, OMIM 248600.

Submissions (3):

Genome-Nilou Lab
Classification: Likely pathogenic for Maple syrup urine disease type 1A. Last evaluated: 2023-04-11. Review status: criteria provided, single submitter. Criteria: ACMG Guidelines, 2015. Collection method: clinical testing. Allele origin: germline. Affected: no.

Women's Health and Genetics/Laboratory Corporation of America, LabCorp
Classification: Likely pathogenic for Maple syrup urine disease. Last evaluated: 2022-10-05. Review status: criteria provided, single submitter. Criteria: LabCorp Variant Classification Summary - May 2015. Collection method: clinical testing. Allele origin: germline.
Comment: Variant summary: DBT c.1165_1166delAC (p.Thr389X) results in a premature termination codon, predicted to cause a truncation of the encoded protein or absence of the protein due to nonsense mediated decay, which are commonly known mechanisms for disease. Truncations downstream of this position have been reported in association with Maple syrup urine disease in HGMD. The variant was absent in 251474 control chromosomes. To our knowledge, no occurrence of c.1165_1166delAC in individuals affected with Maple Syrup Urine Disease and no experimental evidence demonstrating its impact on protein function have been reported. One clinical diagnostic laboratory has submitted clinical-significance assessments for this variant to ClinVar after 2014 without evidence for independent evaluation. One laboratory classified the variant as likely pathogenic. Based on the evidence outlined above, the variant was classified as likely pathogenic.

Counsyl
Classification: Likely pathogenic for Maple syrup urine disease type 1A. Last evaluated: 2017-11-26. Review status: no assertion criteria provided. Collection method: clinical testing. Allele origin: unknown. Not counted in ClinVar's aggregate classification.

NM_001918.5(DBT):c.1165_1166del (p.Thr388_Thr389insTer)

Gene: DBT (dihydrolipoamide branched chain transacylase E2; minus strand). Cytogenetic location: 1p21.2.
Variant type: Deletion.
Coding change: c.1165_1166del on transcript NM_001918.5 (MANE Select); coding-DNA positions 1165 to 1166, 2 bases deleted (AC; older notation c.1165_1166delAC).
Protein change: p.Thr388_Thr389insTer.
Molecular consequence: nonsense.
Genome position (GRCh38, 1-based): chr1:100,206,488-100,206,489, GT deleted on the plus strand (AC on the coding strand, the reverse complement: DBT is on the minus strand); deleting any 2 consecutive bases within chr1:100,206,488-100,206,490 gives the same sequence; the c. name uses the placement nearest the transcript's 3' end. VCF-style (leftmost placement, unchanged base first): chr1-100206487-AGT-A. GRCh37 (hg19) VCF-style: chr1-100672043-AGT-A.
Identifiers: ClinVar variation 555243 (VCV000555243.4), dbSNP rs1553229661, ClinGen allele CA658821112.